The following is an entry in ClinVar:

NM_001267550.2(TTN):c.58122C>G (p.Thr19374=)

Genes: TTN-AS1 (TTN antisense RNA 1; plus strand), TTN (titin; minus strand). Cytogenetic location: 2q31.2.
Variant type: single nucleotide variant.
Coding change: c.58122C>G on transcript NM_001267550.2 (MANE Select); coding-DNA position 58122, C replaced by G.
Protein change: p.Thr19374=; no amino-acid change (threonine 19374 retained).
Molecular consequence: synonymous variant.
Genome position (GRCh38, 1-based): chr2:178,594,372, G>C on the plus strand (C>G on the coding strand, the complement: TTN is on the minus strand). VCF-style: chr2-178594372-G-C. GRCh37 (hg19) VCF-style: chr2-179459099-G-C.
Other names: c.53199C>G, p.Thr17733= (NM_001256850.1); c.50418C>G, p.Thr16806= (NM_133378.4); c.30927C>G, p.Thr10309= (NM_003319.4); c.31302C>G, p.Thr10434= (NM_133432.3); c.31503C>G, p.Thr10501= (NM_133437.4).
Identifiers: ClinVar variation 47133 (VCV000047133.48), dbSNP rs189818369, ClinGen allele CA140089.

ClinVar aggregate classification (germline): Conflicting classifications of pathogenicity. Review status: criteria provided, conflicting classifications (1 of 4 stars). 12 submissions from 8 submitters: Uncertain significance (3); Benign (4); Likely benign (5). Last evaluated 2025-12-19.

Conditions:
Cardiovascular phenotype. Identifiers: MedGen CN230736.
Dilated cardiomyopathy 1G (CMD1G). Identifiers: Orphanet 154, MedGen C1858763, MONDO:0011400, OMIM 604145.
Autosomal recessive limb-girdle muscular dystrophy type 2J (LGMDR10). Also called: Limb-girdle muscular dystrophy, type 2J; MUSCULAR DYSTROPHY, LIMB-GIRDLE, AUTOSOMAL RECESSIVE 10. Identifiers: Orphanet 140922, MedGen C1837342, MONDO:0012127, OMIM 608807.
Early-onset myopathy with fatal cardiomyopathy (CMYO5). Also called: Salih Myopathy; CONGENITAL MYOPATHY 5 WITH CARDIOMYOPATHY. Identifiers: Orphanet 289377, MedGen C2673677, MONDO:0012714, OMIM 611705. Disease mechanism: loss of function.
Myopathy, myofibrillar, 9, with early respiratory failure (MFM9). Also called: Hereditary myopathy with early respiratory failure; Myopathy, distal, with early respiratory failure, autosomal dominant; EDSTROM MYOPATHY; MYOPATHY, PROXIMAL, WITH EARLY RESPIRATORY MUSCLE INVOLVEMENT. Identifiers: Orphanet 178464, Orphanet 34521, MedGen C1863599, MONDO:0011362, OMIM 603689.
Tibial muscular dystrophy (TMD). Also called: Udd Distal Myopathy – Tibial Muscular Dystrophy; Tibial muscular dystrophy, tardive; UDD MYOPATHY. Identifiers: Orphanet 609, MedGen C1838244, MONDO:0010870, OMIM 600334.

Allele frequency attached by ClinVar (database versions not stated): gnomAD 0.00007 and 0.00013; gnomAD exomes 0.00011; TOPMed 0.00017; 1000 Genomes Project 30x 0.00031; 1000 Genomes Project 0.00040.
gnomAD v4.1: 190 of 1,596,910 alleles (0.012%); highest among the groups gnomAD compares: East Asian, 0.16%; no homozygotes.

Submissions (12):

Labcorp Genetics (formerly Invitae), Labcorp
Classification: Benign for Dilated cardiomyopathy 1G; Autosomal recessive limb-girdle muscular dystrophy type 2J. Last evaluated: 2025-12-19. Review status: criteria provided, single submitter. Criteria: Invitae Variant Classification Sherloc (09022015). Collection method: clinical testing. Allele origin: germline.

CeGaT Center for Human Genetics Tuebingen
Classification: Likely benign. Last evaluated: 2025-09-01. Review status: criteria provided, single submitter. Criteria: CeGaT Center For Human Genetics Tuebingen Variant Classification Criteria Version 2. Collection method: clinical testing. Allele origin: germline. Affected: yes. Observed: 5 variant alleles.
Comment: TTN: BP4, BP7

Molecular Diagnostic Laboratory for Inherited Cardiovascular Disease, Montreal Heart Institute
Classification: Likely benign. Last evaluated: 2025-04-09. Review status: criteria provided, single submitter. Criteria: ACMG Guidelines, 2015. Collection method: clinical testing. Allele origin: germline. Affected: no.

Blueprint Genetics
Classification: Likely benign. Last evaluated: 2024-04-22. Review status: criteria provided, single submitter. Criteria: ACMG Guidelines, 2015. Collection method: clinical testing. Allele origin: germline.

GeneDx
Classification: Likely benign. Last evaluated: 2020-05-07. Review status: criteria provided, single submitter. Criteria: GeneDx Variant Classification Process June 2021. Collection method: clinical testing. Allele origin: germline. Affected: yes.

Ambry Genetics
Classification: Benign for Cardiovascular phenotype. Last evaluated: 2020-04-13. Review status: criteria provided, single submitter. Criteria: Ambry Variant Classification Scheme 2023. Collection method: clinical testing. Allele origin: germline.

Illumina Laboratory Services, Illumina
Classification: Benign for Tibial muscular dystrophy. Last evaluated: 2018-01-12. Review status: criteria provided, single submitter. Criteria: ICSL Variant Classification Criteria 13 December 2019. Collection method: clinical testing. Allele origin: germline.
Comment: This variant was observed in the ICSL laboratory as part of a predisposition screen in an ostensibly healthy population. It had not been previously curated by ICSL or reported in the Human Gene Mutation Database (HGMD: prior to June 1st, 2018), and was therefore a candidate for classification through an automated scoring system. Utilizing variant allele frequency, disease prevalence and penetrance estimates, and inheritance mode, an automated score was calculated to assess if this variant is too frequent to cause the disease. Based on the score and internal cut-off values, a variant classified as benign is not then subjected to further curation. The score for this variant resulted in a classification of benign for this disease.

Illumina Laboratory Services, Illumina
Classification: Uncertain significance for Autosomal recessive limb-girdle muscular dystrophy type 2J. Last evaluated: 2018-01-12. Review status: criteria provided, single submitter. Criteria: ICSL Variant Classification Criteria 13 December 2019. Collection method: clinical testing. Allele origin: germline.

Illumina Laboratory Services, Illumina
Classification: Uncertain significance for Dilated cardiomyopathy 1G. Last evaluated: 2018-01-12. Review status: criteria provided, single submitter. Criteria: ICSL Variant Classification Criteria 13 December 2019. Collection method: clinical testing. Allele origin: germline.

Illumina Laboratory Services, Illumina
Classification: Uncertain significance for Early-onset myopathy with fatal cardiomyopathy. Last evaluated: 2018-01-12. Review status: criteria provided, single submitter. Criteria: ICSL Variant Classification Criteria 13 December 2019. Collection method: clinical testing. Allele origin: germline.

Illumina Laboratory Services, Illumina
Classification: Benign for Myopathy, myofibrillar, 9, with early respiratory failure. Last evaluated: 2018-01-12. Review status: criteria provided, single submitter. Criteria: ICSL Variant Classification Criteria 13 December 2019. Collection method: clinical testing. Allele origin: germline.
Comment: the same text as in the submission from Illumina Laboratory Services, Illumina above.

Laboratory for Molecular Medicine, Mass General Brigham Personalized Medicine
Classification: Likely benign. Last evaluated: 2015-05-07. Review status: criteria provided, single submitter. Criteria: LMM Criteria. Collection method: clinical testing. Allele origin: germline. Observed: 2 variant alleles.
Comment: p.Thr16806Thr in exon 245 of TTN: This variant is not expected to have clinical significance because it does not alter an amino acid residue and is not located within the splice consensus sequence. It has been identified in 0.2% (22/8360) o f East Asian chromosomes by the Exome Aggregation Consortium (ExAC.; dbSNP rs189818369).